The following is an entry in ClinVar:

ClinVar aggregate classification (germline): Benign/Likely benign. Review status: criteria provided, multiple submitters, no conflicts (2 of 4 stars). 3 submissions from 3 submitters: Benign (1); Likely benign (2). Last evaluated 2026-02-03.

Conditions:
Mitochondrial complex II deficiency, nuclear type 1. Also called: SUCCINATE CoQ REDUCTASE DEFICIENCY. Identifiers: Orphanet 3208, MedGen C5700310, MONDO:0100294, OMIM 252011.
Pheochromocytoma/paraganglioma syndrome 5. Also called: Paragangliomas 5; SDHA-Related Hereditary Paraganglioma-Pheochromocytoma Syndrome. Identifiers: Orphanet 29072, MedGen C3279992, MONDO:0013602, OMIM 614165.
Hereditary cancer-predisposing syndrome. Also called: Neoplastic Syndromes, Hereditary; Tumor predisposition; Hereditary neoplastic syndrome; Hereditary Cancer Syndrome. Identifiers: Orphanet 140162, MedGen C0027672, MeSH D009386, MONDO:0015356.

Allele frequency attached by ClinVar (database versions not stated): TOPMed below 0.00001; gnomAD 0.00001.

Submissions (3):

Labcorp Genetics (formerly Invitae), Labcorp
Classification: Likely benign for Pheochromocytoma/paraganglioma syndrome 5; Mitochondrial complex II deficiency, nuclear type 1. Last evaluated: 2026-02-03. Review status: criteria provided, single submitter. Criteria: Invitae Variant Classification Sherloc (09022015). Collection method: clinical testing. Allele origin: germline.

Myriad Genetics, Inc.
Classification: Benign for Pheochromocytoma/paraganglioma syndrome 5. Last evaluated: 2025-02-28. Review status: criteria provided, single submitter. Criteria: Myriad Autosomal Dominant, Autosomal Recessive and X-Linked Classification Criteria (2023). Collection method: clinical testing. Allele origin: unknown.
Comment: This variant is considered benign. This variant is a silent/synonymous amino acid change and it is not expected to impact splicing.

Ambry Genetics
Classification: Likely benign for Hereditary cancer-predisposing syndrome. Last evaluated: 2022-05-21. Review status: criteria provided, single submitter. Criteria: Ambry Variant Classification Scheme 2023. Collection method: clinical testing. Allele origin: germline.

NM_004168.4(SDHA):c.162G>A (p.Gln54=)

Gene: SDHA (succinate dehydrogenase complex flavoprotein subunit A; plus strand). Cytogenetic location: 5p15.33.
Variant type: single nucleotide variant.
Coding change: c.162G>A on transcript NM_004168.4 (MANE Select); coding-DNA position 162, G replaced by A.
Protein change: p.Gln54=; no amino-acid change (glutamine 54 retained).
Molecular consequence: synonymous variant.
Genome position (GRCh38, 1-based): chr5:224,371, G>A. VCF-style: chr5-224371-G-A. GRCh37 (hg19) VCF-style: chr5-224486-G-A.
Other names: c.162G>A, p.Gln54= (NM_001294332.2, NM_001330758.2).
Identifiers: ClinVar variation 539691 (VCV000539691.15), dbSNP rs1468436658, ClinGen allele CA442690725.